The following is an entry in ClinVar:

NM_000492.4(CFTR):c.1733_1734del (p.Leu578fs)

Gene: CFTR (CF transmembrane conductance regulator; plus strand). Cytogenetic location: 7q31.2.
Variant type: Deletion.
Coding change: c.1733_1734del on transcript NM_000492.4 (MANE Select); coding-DNA positions 1733 to 1734, 2 bases deleted (TA; older notation c.1733_1734delTA).
Protein change: p.Leu578fs; shifts the reading frame from leucine 578.
Molecular consequence: frameshift variant.
Genome position (GRCh38, 1-based): chr7:117,590,406-117,590,407, TA deleted. VCF-style (leftmost placement, unchanged base first): chr7-117590405-CTA-C. GRCh37 (hg19) VCF-style: chr7-117230459-CTA-C.
Other names: short protein forms L578fs.
Identifiers: ClinVar variation 623296 (VCV000623296.3), dbSNP rs1562907232, ClinGen allele CA913190193.
Genomic context (GRCh38, chr7:117,590,405, plus strand): 5'-CTTTTTAGAGCAGTATACAAAGATGCTGATTTGTATTTATTAGACTCTCCTTTTGGATAC[CTA>C]GATGTTTTAACAGAAAAAGAAATATTTGAAAGGTATGTTCTTTGAATACCTTACTTATAA-3'

ClinVar aggregate classification (germline): Pathogenic. Review status: criteria provided, single submitter (1 of 4 stars). 2 submissions from 2 submitters: Pathogenic (1). 1 of the submissions does not count toward it. Last evaluated 2024-10-04.

Conditions:
Cystic fibrosis (CF). Also called: MUCOVISCIDOSIS. Identifiers: Orphanet 586, MedGen C0010674, MONDO:0009061, OMIM 219700. Disease mechanism: loss of function.

Submissions (2):

Dubai Health Genomic Medicine Center, Dubai Health
Classification: Pathogenic for Cystic fibrosis. Last evaluated: 2024-10-04. Review status: criteria provided, single submitter. Criteria: ACMG Guidelines, 2015. Collection method: research. Allele origin: germline. Affected: yes.
Comment: PVS1,PS4,PM2

Department of Genetics, Sultan Qaboos University Hospital
Classification: Pathogenic for Cystic fibrosis. Last evaluated: 2017-12-30. Review status: no assertion criteria provided. Collection method: clinical testing. Allele origin: unknown. Affected: yes. Not counted in ClinVar's aggregate classification.

Literature cited by the submitters: DOI 10.4172/2155-9929.1000168 (cited by Department of Genetics, Sultan Qaboos University Hospital).